The following is an entry in ClinVar:

ClinVar aggregate classification (germline): Likely benign. Review status: criteria provided, multiple submitters, no conflicts (2 of 4 stars). 3 submissions from 3 submitters: Likely benign (3). Last evaluated 2026-08-01.

Conditions:
Bethlem myopathy 1A. Also called: Bethlem Muscular Dystrophy; Bethlem myopathy 1; MYOPATHY, BENIGN CONGENITAL, WITH CONTRACTURES. Identifiers: Orphanet 610, MedGen CN029274, MONDO:0024530, OMIM 158810.

Allele frequency attached by ClinVar (database versions not stated): gnomAD exomes 0.00002 and 0.00003; TOPMed 0.00002; ExAC 0.00005.
gnomAD v4.1: 38 of 1,555,100 alleles (0.0024%); highest among the groups gnomAD compares: Admixed American, 0.0039%; no homozygotes.

Submissions (3):

CeGaT Center for Human Genetics Tuebingen
Classification: Likely benign. Last evaluated: 2026-08-01. Review status: criteria provided, single submitter. Criteria: CeGaT Center For Human Genetics Tuebingen Variant Classification Criteria Version 2. Collection method: clinical testing. Allele origin: germline. Affected: yes. Observed: 1 variant allele.
Comment: COL6A1: BP4, BP7

Labcorp Genetics (formerly Invitae), Labcorp
Classification: Likely benign for Bethlem myopathy 1A. Last evaluated: 2025-02-20. Review status: criteria provided, single submitter. Criteria: Invitae Variant Classification Sherloc (09022015). Collection method: clinical testing. Allele origin: germline.

Breakthrough Genomics
Classification: Likely benign. Review status: criteria provided, single submitter. Criteria: ACMG Guidelines, 2015. Collection method: not provided. Allele origin: germline. Inheritance: Autosomal recessive inheritance. Affected: yes.

NM_001848.3(COL6A1):c.1617G>A (p.Thr539=)

Gene: COL6A1 (collagen type VI alpha 1 chain; plus strand). Cytogenetic location: 21q22.3.
Variant type: single nucleotide variant.
Coding change: c.1617G>A on transcript NM_001848.3 (MANE Select); coding-DNA position 1617, G replaced by A.
Protein change: p.Thr539=; no amino-acid change (threonine 539 retained).
Molecular consequence: synonymous variant.
Genome position (GRCh38, 1-based): chr21:45,998,902, G>A. VCF-style: chr21-45998902-G-A. GRCh37 (hg19) VCF-style: chr21-47418816-G-A.
Identifiers: ClinVar variation 1143253 (VCV001143253.11), dbSNP rs753448235, ClinGen allele CA10070457.